The following is an entry in ClinVar:

NM_005051.3(QARS1):c.1313A>G (p.Tyr438Cys)

Gene: QARS1 (glutaminyl-tRNA synthetase 1; minus strand). Cytogenetic location: 3p21.31.
Variant type: single nucleotide variant.
Coding change: c.1313A>G on transcript NM_005051.3 (MANE Select); coding-DNA position 1313, A replaced by G.
Protein change: p.Tyr438Cys; replaces tyrosine 438 with cysteine.
Molecular consequence: missense variant. On other transcripts: non-coding transcript variant (1).
Genome position (GRCh38, 1-based): chr3:49,099,836, T>C on the plus strand (A>G on the coding strand, the complement: QARS1 is on the minus strand). VCF-style: chr3-49099836-T-C. GRCh37 (hg19) VCF-style: chr3-49137269-T-C.
Other names: c.1280A>G, p.Tyr427Cys (NM_001272073.2); short protein forms Y438C, Y427C.
Identifiers: ClinVar variation 1480729 (VCV001480729.6), dbSNP rs1020521977, ClinGen allele CA74473828.

ClinVar aggregate classification (germline): Uncertain significance (1 of 4 stars; one submission).

Conditions:
Diffuse cerebral and cerebellar atrophy - intractable seizures - progressive microcephaly syndrome. Also called: Microcephaly, progressive, with seizures and cerebral and cerebellar atrophy. Identifiers: Orphanet 404437, MedGen C4014239, MONDO:0014335, OMIM 615760.

Allele frequency attached by ClinVar (database versions not stated): gnomAD 0.00001; TOPMed 0.00001.
gnomAD v4.1: 1 of 1,613,870 alleles (0.000062%); highest among the groups gnomAD compares: African/African-American, 0.0013%; no homozygotes.

Submission:

Labcorp Genetics (formerly Invitae), Labcorp
Classification: Uncertain significance for Diffuse cerebral and cerebellar atrophy - intractable seizures - progressive microcephaly syndrome. Last evaluated: 2025-01-13. Review status: criteria provided, single submitter. Criteria: Invitae Variant Classification Sherloc (09022015). Collection method: clinical testing. Allele origin: germline.
Comment: This sequence change replaces tyrosine, which is neutral and polar, with cysteine, which is neutral and slightly polar, at codon 438 of the QARS protein (p.Tyr438Cys). This variant is not present in population databases (gnomAD no frequency). This variant has not been reported in the literature in individuals affected with QARS-related conditions. ClinVar contains an entry for this variant (Variation ID: 1480729). Invitae Evidence Modeling of protein sequence and biophysical properties (such as structural, functional, and spatial information, amino acid conservation, physicochemical variation, residue mobility, and thermodynamic stability) has been performed for this missense variant. However, the output from this modeling did not meet the statistical confidence thresholds required to predict the impact of this variant on QARS protein function. In summary, the available evidence is currently insufficient to determine the role of this variant in disease. Therefore, it has been classified as a Variant of Uncertain Significance.